The following is an entry in ClinVar:

ClinVar aggregate classification (germline): Uncertain significance (1 of 4 stars; one submission).

Submission:

GeneDx
Classification: Uncertain significance. Last evaluated: 2026-04-20. Review status: criteria provided, single submitter. Criteria: GeneDx Variant Classification Process June 2021. Collection method: clinical testing. Allele origin: germline.
Comment: Not observed at significant frequency in large population cohorts (gnomAD); In silico analysis suggests that this missense variant does not alter protein structure/function; Has not been previously published as pathogenic or benign to our knowledge

NM_004519.4(KCNQ3):c.2365C>G (p.Pro789Ala)

Gene: KCNQ3 (potassium voltage-gated channel subfamily Q member 3; minus strand). Cytogenetic location: 8q24.22.
Variant type: single nucleotide variant.
Coding change: c.2365C>G on transcript NM_004519.4 (MANE Select); coding-DNA position 2365, C replaced by G.
Protein change: p.Pro789Ala; replaces proline 789 with alanine.
Molecular consequence: missense variant.
Genome position (GRCh38, 1-based): chr8:132,129,516, G>C on the plus strand (C>G on the coding strand, the complement: KCNQ3 is on the minus strand). VCF-style: chr8-132129516-G-C. GRCh37 (hg19) VCF-style: chr8-133141763-G-C.
Other names: c.2005C>G, p.Pro669Ala (NM_001204824.2); short protein forms P669A, P789A.
Identifiers: ClinVar variation 5037351 (VCV005037351.1).